The following is an entry in ClinVar:

ClinVar aggregate classification (germline): Likely pathogenic (1 of 4 stars; one submission).

Conditions:
Argininosuccinate lyase deficiency. Also called: ARGININOSUCCINIC ACID LYASE DEFICIENCY; ASL DEFICIENCY; Argininosuccinic aciduria. Identifiers: Orphanet 23, MedGen C0268547, MONDO:0008815, OMIM 207900, HP:0025630.

Submission:

Natera, Inc.
Classification: Likely pathogenic for Argininosuccinate lyase deficiency. Last evaluated: 2025-07-08. Review status: criteria provided, single submitter. Criteria: Natera Variant Classification Schema (03/2026). Collection method: clinical testing. Allele origin: germline.
Comment: The c.910_913del variant in ASL is a frameshift variant predicted to shift the reading frame beginning at codon 304 and leads to a stop codon 7 codons downstream. This variant is expected to result in nonsense mediated decay, truncation, or a dysfunctional protein product. This variant is rare in the general population with a frequency below the threshold expected for the associated phenotype(s). Given the available evidence, this variant is classified as Likely Pathogenic.

NM_000048.4(ASL):c.910_913del (p.Phe304fs)

Gene: ASL (argininosuccinate lyase; plus strand). Cytogenetic location: 7q11.21.
Variant type: Deletion.
Coding change: c.910_913del on transcript NM_000048.4 (MANE Select); coding-DNA positions 910 to 913, 4 bases deleted (TTTG; older notation c.910_913delTTTG).
Protein change: p.Phe304fs; shifts the reading frame from phenylalanine 304.
Molecular consequence: frameshift variant.
Genome position (GRCh38, 1-based): chr7:66,089,167-66,089,170, TTTG deleted; deleting any 4 consecutive bases within chr7:66,089,165-66,089,170 gives the same sequence; the c. name uses the placement nearest the transcript's 3' end. VCF-style (leftmost placement, unchanged base first): chr7-66089164-GTGTT-G. GRCh37 (hg19) VCF-style: chr7-65554151-GTGTT-G.
Other names: c.910_913del, p.Phe304fs (NM_001024943.2, NM_001024944.2); c.832_835del, p.Phe278fs (NM_001024946.2); short protein forms F278fs, F304fs.
Identifiers: ClinVar variation 4818368 (VCV004818368.1).
Genomic context (GRCh38, chr7:66,089,164, plus strand): 5'-CTGATGCCCCAGAAGAAAAACCCCGACAGTTTGGAGCTGATCCGGAGCAAGGCTGGGCGT[GTGTT>G]TGGGCGGGTGAGCAAGGCAGGGGGAGGGGCGGGGCCTCTGGGCTGATGGTGGGTGGCCAG-3'